The following is an entry in ClinVar:

NM_001267550.2(TTN):c.75123T>A (p.Tyr25041Ter)

Genes: TTN (titin; minus strand), TTN-AS1 (TTN antisense RNA 1; plus strand). Cytogenetic location: 2q31.2.
Variant type: single nucleotide variant.
Coding change: c.75123T>A on transcript NM_001267550.2 (MANE Select); coding-DNA position 75123, T replaced by A.
Protein change: p.Tyr25041Ter; replaces tyrosine 25041 with a stop codon.
Molecular consequence: nonsense.
Genome position (GRCh38, 1-based): chr2:178,571,009, A>T on the plus strand (T>A on the coding strand, the complement: TTN is on the minus strand). VCF-style: chr2-178571009-A-T. GRCh37 (hg19) VCF-style: chr2-179435736-A-T.
Other names: c.70200T>A, p.Tyr23400Ter (NM_001256850.1); c.47928T>A, p.Tyr15976Ter (NM_003319.4); c.67419T>A, p.Tyr22473Ter (NM_133378.4); c.48303T>A, p.Tyr16101Ter (NM_133432.3); c.48504T>A, p.Tyr16168Ter (NM_133437.4); c.75123T>A (LRG_391t1); short protein forms Y25041*, Y15976*, Y23400*, Y16101*, Y16168*, Y22473*.
Identifiers: ClinVar variation 223351 (VCV000223351.1), dbSNP rs753526510, ClinGen allele CA089796.

ClinVar aggregate classification (germline): Uncertain significance (1 of 4 stars; one submission).

Conditions:
Primary dilated cardiomyopathy (DCM). Also called: Dilated Cardiomyopathy. Identifiers: Orphanet 217604, MedGen C0007193, MeSH D002311, MONDO:0005021, HP:0001644. Inheritance: Various modes of inheritance.

Allele frequency attached by ClinVar (database versions not stated): TOPMed below 0.00001; ExAC 0.00001; gnomAD 0.00001; gnomAD exomes below 0.00001.
gnomAD v4.1: 1 of 1,612,798 alleles (0.000062%); highest among the groups gnomAD compares: African/African-American, 0.0013%; no homozygotes.

Submission:

Cardiovascular Biomedical Research Unit, Royal Brompton & Harefield NHS Foundation Trust
Classification: Uncertain significance for Primary dilated cardiomyopathy. Last evaluated: 2014-10-08. Review status: criteria provided, single submitter. Criteria: Roberts et al. 2015. Collection method: research. Allele origin: germline. Inheritance: Autosomal dominant inheritance. Affected: no. Observed: 1 variant allele. Study: JHS cohort.
Comment: In the seven cohorts assessed, TTNtv were found in 14% of ambulant DCM, 22% end-stage or familial DCM, and 2% controls. Heterozygous nonsense, frameshift and canonical splice-disrupting variants found in constitutive and other highly utilised exons are highly likely to be pathogenic when identified in individuals with phenotypically confirmed DCM. TTNtv found incidentally in healthy individuals (excluding familial assessment of DCM relatives) are thought to have low penetrance, particularly when identified in exons that are not constitutively expressed in the heart.